The following is an entry in ClinVar:

ClinVar aggregate classification (germline): Benign (1 of 4 stars; one submission).

Allele frequency attached by ClinVar (database versions not stated): TOPMed 0.04329; 1000 Genomes Project 0.04653; gnomAD 0.04033; 1000 Genomes Project 30x 0.05012.

Submission:

GeneDx
Classification: Benign. Last evaluated: 2018-06-16. Review status: criteria provided, single submitter. Criteria: GeneDx Variant Classification (06012015). Collection method: clinical testing. Allele origin: germline. Affected: yes.
Comment: This variant is considered likely benign or benign based on one or more of the following criteria: it is a conservative change, it occurs at a poorly conserved position in the protein, it is predicted to be benign by multiple in silico algorithms, and/or has population frequency not consistent with disease.

NM_018480.4(TMEM126B):c.-217G>T

Gene: TMEM126B (transmembrane protein 126B; plus strand). Cytogenetic location: 11q14.1.
Variant type: single nucleotide variant.
Coding change: c.-217G>T on transcript NM_018480.4; 217 bases upstream of the start codon, G replaced by T.
Genome position (GRCh38, 1-based): chr11:85,628,391, G>T. VCF-style: chr11-85628391-G-T. GRCh37 (hg19) VCF-style: chr11-85339435-G-T.
Identifiers: ClinVar variation 673800 (VCV000673800.3), dbSNP rs78790703, ClinGen allele CA13534715.